The following is an entry in ClinVar:

NM_001080467.3(MYO5B):c.5458G>A (p.Val1820Ile)

Genes: MYO5B (myosin VB; minus strand), SNHG22 (small nucleolar RNA host gene 22; plus strand). Cytogenetic location: 18q21.1.
Variant type: single nucleotide variant.
Coding change: c.5458G>A on transcript NM_001080467.3 (MANE Select); coding-DNA position 5458, G replaced by A.
Protein change: p.Val1820Ile; replaces valine 1820 with isoleucine.
Molecular consequence: missense variant.
Genome position (GRCh38, 1-based): chr18:49,826,560, C>T on the plus strand (G>A on the coding strand, the complement: MYO5B is on the minus strand). VCF-style: chr18-49826560-C-T. GRCh37 (hg19) VCF-style: chr18-47352930-C-T.
Other names: short protein forms V1820I.
Identifiers: ClinVar variation 2074865 (VCV002074865.4), dbSNP rs2023848957, ClinGen allele CA402417770.

ClinVar aggregate classification (germline): Uncertain significance (1 of 4 stars; one submission).

Submission:

Labcorp Genetics (formerly Invitae), Labcorp
Classification: Uncertain significance. Last evaluated: 2022-06-04. Review status: criteria provided, single submitter. Criteria: Invitae Variant Classification Sherloc (09022015). Collection method: clinical testing. Allele origin: germline.
Comment: Algorithms developed to predict the effect of missense changes on protein structure and function are either unavailable or do not agree on the potential impact of this missense change (SIFT: "Deleterious"; PolyPhen-2: "Probably Damaging"; Align-GVGD: "Class C0"). This variant has not been reported in the literature in individuals affected with MYO5B-related conditions. This variant is not present in population databases (gnomAD no frequency). This sequence change replaces valine, which is neutral and non-polar, with isoleucine, which is neutral and non-polar, at codon 1820 of the MYO5B protein (p.Val1820Ile). In summary, the available evidence is currently insufficient to determine the role of this variant in disease. Therefore, it has been classified as a Variant of Uncertain Significance.